The following is an entry in ClinVar:

NM_000097.7(CPOX):c.424C>T (p.Arg142Ter)

Gene: CPOX (coproporphyrinogen oxidase; minus strand). Cytogenetic location: 3q11.2.
Variant type: single nucleotide variant.
Coding change: c.424C>T on transcript NM_000097.7 (MANE Select); coding-DNA position 424, C replaced by T.
Protein change: p.Arg142Ter; replaces arginine 142 with a stop codon.
Molecular consequence: nonsense.
Genome position (GRCh38, 1-based): chr3:98,593,081, G>A on the plus strand (C>T on the coding strand, the complement: CPOX is on the minus strand). VCF-style: chr3-98593081-G-A. GRCh37 (hg19) VCF-style: chr3-98311925-G-A.
Other names: short protein forms R142*.
Identifiers: ClinVar variation 5019455 (VCV005019455.2).
Genomic context (GRCh38, chr3:98,593,081, plus strand): 5'-GGGCCTGGGTCTCCAGAATCAGCAGCTCCATCTTGGTCTTCATGTCGCCCGGCCTCCTTC[G>A]CAGCTCGCCCAGGTCGGTCACAGGCGGGGCCATGAAGCTGCTGCAGCGGTGGGCCAGCTC-3'

ClinVar aggregate classification (germline): Likely pathogenic (1 of 4 stars; one submission).

Conditions:
Hereditary coproporphyria (HCP). Also called: Hereditary coproporphyria porphyria; Porphyria hepatica coproporphyria; Porphyria hepatica II; CPRO deficiency; COPROPORPHYRINOGEN OXIDASE DEFICIENCY; CPO DEFICIENCY. Identifiers: Orphanet 79273, MedGen C0162531, MONDO:0007369, OMIM 121300.
Harderoporphyria (HARPO). Identifiers: Orphanet 659672, MedGen C0342859, MONDO:0030048, OMIM 618892.

Submission:

Juno Genomics, Hangzhou Juno Genomics, Inc
Classification: Likely pathogenic for Hereditary coproporphyria; Harderoporphyria. Review status: criteria provided, single submitter. Criteria: ACMG Guidelines, 2015. Collection method: clinical testing. Allele origin: germline.
Comment: Absent from controls (or at extremely low frequency if recessive) in Genome Aggregation Database.;Null variant in a gene where loss of function (LOF) is a known mechanism of disease.